The following is an entry in ClinVar:

NM_000554.6(CRX):c.122G>A (p.Arg41Gln)

Gene: CRX (cone-rod homeobox; plus strand). Cytogenetic location: 19q13.33.
Variant type: single nucleotide variant.
Coding change: c.122G>A on transcript NM_000554.6 (MANE Select); coding-DNA position 122, G replaced by A.
Protein change: p.Arg41Gln; replaces arginine 41 with glutamine.
Molecular consequence: missense variant.
Genome position (GRCh38, 1-based): chr19:47,836,264, G>A. VCF-style: chr19-47836264-G-A. GRCh37 (hg19) VCF-style: chr19-48339521-G-A.
Other names: c.122G>A (NM_000554.5); short protein forms R41Q.
Identifiers: ClinVar variation 7421 (VCV000007421.59), dbSNP rs61748436, ClinGen allele CA118791.

ClinVar aggregate classification (germline): Pathogenic/Likely pathogenic. Review status: criteria provided, multiple submitters, no conflicts (2 of 4 stars). 15 submissions from 15 submitters: Pathogenic (9); Likely pathogenic (4). 2 of the submissions do not count toward it. Last evaluated 2026-08-06.

Conditions:
CRX-related disorder. Also called: CRX-related condition.
CRX-related disorders.
Inborn genetic diseases. Identifiers: MedGen C0950123, MeSH D030342.
Retinal dystrophy. Also called: Inherited retinal dystrophy. Identifiers: Orphanet 71862, MedGen C0854723, MeSH D058499, MONDO:0019118, HP:0000556.
Cone-rod dystrophy 2 (CORD2). Also called: CONE-ROD RETINAL DYSTROPHY; Cone-rod retinal dystrophy 2. Identifiers: Orphanet 1872, MedGen C3489532, MONDO:0007362, OMIM 120970.
Leber congenital amaurosis 7 (LCA7). Identifiers: Orphanet 65, MedGen C3151192, MONDO:0013449, OMIM 613829.
Cone-rod dystrophy. Also called: Cone/cone-rod dystrophy; Cone-rod degeneration. Identifiers: Orphanet 1872, MedGen C4085590, MONDO:0015993, HP:0000548.

Allele frequency attached by ClinVar (database versions not stated): gnomAD 0.00001; TOPMed 0.00001.
gnomAD v4.1: 13 of 1,614,018 alleles (0.00081%); highest among the groups gnomAD compares: Non-Finnish European, 0.0011%; no homozygotes.

Submissions (15):

OLLIN Analises Genomicas, OLLIN
Classification: Pathogenic. Last evaluated: 2026-08-06. Review status: criteria provided, single submitter. Criteria: ACMG Guidelines 2015 PMID 25741868. Collection method: clinical testing. Allele origin: germline.
Comment: This missense variant, located in exon 3 (of 4), has been reported in ClinVar (accession VCV000007421.56), in gnomAD with an allele frequency of 0.000805%, and in the scientific literature, segregating with the phenotype, in individuals with CRX related disorders (PMID: 11971869, 9427255, 11748859, 24265693, 29068479, 30543658, 31215831). Functional studies suggest that this variant may affect protein function, and in silico analysis predicts a deleterious effect (PMID: 11971869). This variant is located in a region considered to be a mutational hotspot. Another pathogenic variant affecting the same amino acid residue has been reported. According to the currently available evidence, this variant has been classified as pathogenic (PS3_P, PS4, PM1, PM2_P, PM5, PP1, PP3_M).

PreventionGenetics, part of Exact Sciences
Classification: Pathogenic for CRX-related condition. Last evaluated: 2026-08-06. Review status: criteria provided, single submitter. Criteria: ACMG Guidelines, 2015. Collection method: clinical testing. Allele origin: germline.
Comment: The CRX c.122G>A variant is predicted to result in the amino acid substitution p.Arg41Gln. This variant has been reported in the heterozygous state in multiple individuals with retinal disease (for examples, see Swain et al. 1997. PubMed ID: 9427255; Blanco-Kelly et al. 2012. PubMed ID: 22736939, Eisenberger et al. 2013. PubMed ID: 24265693). This variant has also been reported in the homozygous state in an individual with cone-rod dystrophy; however, the heterozygous family members were unaffected suggesting this variant exhibits incomplete penetrance or late-onset autosomal dominant cone-rod dystrophy (Chapi et al. 2019. PubMed ID: 31215831). This variant is located in the DNA-binding domain of the CRX protein and is predicted to reduce DNA-binding activity (Swain et al. 1997. PubMed ID: 9427255). An alternate substitution of this same amino acid residue (p.Arg41Trp) has also been reported in individuals with retinal disease (Swain et al. 1997. PubMed ID: 9427255). This variant is present in 0.0065% of alleles in individuals of European (Non-Finnish) descent in gnomAD. This variant is interpreted as pathogenic for autosomal dominant and autosomal recessive CRX-related disease.

MVZ Medizinische Genetik Mainz
Classification: Pathogenic for Cone-rod dystrophy 2. Last evaluated: 2026-05-12. Review status: criteria provided, single submitter. Criteria: UK Practice Guidelines For Variant Classification V4 01 2020. Collection method: clinical testing. Allele origin: germline. Inheritance: Autosomal dominant inheritance. Affected: yes. Observed: 1 variant allele.
Comment: ACMG Criteria: PS4,PM1,PM5,PP3_MOD,PM2_SUP

Labcorp Genetics (formerly Invitae), Labcorp
Classification: Pathogenic for Cone-rod dystrophy 2; Leber congenital amaurosis 7. Last evaluated: 2026-01-05. Review status: criteria provided, single submitter. Criteria: Invitae Variant Classification Sherloc (09022015). Collection method: clinical testing. Allele origin: germline.
Comment: This sequence change replaces arginine, which is basic and polar, with glutamine, which is neutral and polar, at codon 41 of the CRX protein (p.Arg41Gln). This variant is present in population databases (rs61748436, gnomAD 0.007%). This missense change has been observed in individuals with autosomal dominant and autosomal recessive retinal disease (PMID: 9427255, 11748859, 24265693, 29068479, 30543658, 31215831; internal data). It has also been observed to segregate with disease in related individuals. ClinVar contains an entry for this variant (Variation ID: 7421). Invitae Evidence Modeling of protein sequence and biophysical properties (such as structural, functional, and spatial information, amino acid conservation, physicochemical variation, residue mobility, and thermodynamic stability) indicates that this missense variant is expected to disrupt CRX protein function with a positive predictive value of 95%. Experimental studies have shown that this missense change affects CRX function (PMID: 11971869). For these reasons, this variant has been classified as Pathogenic.

Research Institute for Ophthalmology and Vision Science, Shahid Beheshti University of Medical Sciences
Classification: Pathogenic for Cone-rod dystrophy. Last evaluated: 2025-12-09. Review status: criteria provided, single submitter. Criteria: ACMG Guidelines, 2015. Collection method: research. Allele origin: inherited. Inheritance: Autosomal recessive inheritance. Affected: yes.
Comment: This variant is found at a very low frequency in the gnomAD v2.1.1 database. Predictions from multiple in-silico tools suggest that it is likely to have a deleterious impact on gene function. It has been reported as pathogenic by several submitters. The same nucleotide substitution leading to the exact amino acid change has previously been reported as pathogenic or likely pathogenic.

Ambry Genetics
Classification: Likely pathogenic for Inborn genetic diseases. Last evaluated: 2024-12-23. Review status: criteria provided, single submitter. Criteria: Ambry Variant Classification Scheme 2023. Collection method: clinical testing. Allele origin: germline.
Comment: The c.122G>A (p.R41Q) alteration is located in exon 3 (coding exon 2) of the CRX gene. This alteration results from a G to A substitution at nucleotide position 122, causing the arginine (R) at amino acid position 41 to be replaced by a glutamine (Q). Based on data from gnomAD, the A allele has an overall frequency of 0.0032% (1/31396) total alleles studied. The highest observed frequency was 0.0065% (1/15426) of European (non-Finnish) alleles. This variant was reported in multiple individuals with features consistent with CRX-related retinal dystrophy (Swain, 1997; Sohocki, 1998; Rivolta, 2001; Blanco-Kelly, 2012; Eisenberger, 2013; Birtel, 2018) This amino acid position is highly conserved in available vertebrate species. In an assay testing CRX function, this variant showed a functionally abnormal result (Chen, 2002). This alteration is predicted to be deleterious by in silico analysis. Based on the available evidence, this alteration is classified as likely pathogenic.

Revvity Omics, Revvity
Classification: Pathogenic. Last evaluated: 2024-12-12. Review status: criteria provided, single submitter. Criteria: ACMG Guidelines, 2015. Collection method: clinical testing. Allele origin: germline.

Lab De Baere, Eye and Developmental Genetics Lab, Ghent University
Classification: Likely pathogenic for Cone-rod dystrophy. Last evaluated: 2024-10-01. Review status: criteria provided, single submitter. Criteria: ACMG Guidelines, 2015. Collection method: research. Allele origin: inherited. Affected: yes. Observed: 1 variant allele.
Comment: ACMG/AMP guidelines: PM2_PP, PP4_PP, PM5, PS3, PM3_PP

Blueprint Genetics
Classification: Pathogenic for CRX-related disorders. Last evaluated: 2023-12-15. Review status: criteria provided, single submitter. Criteria: ACMG Guidelines, 2015. Collection method: clinical testing. Allele origin: germline. Affected: yes. Observed: 5 variant alleles.

3billion
Classification: Pathogenic for Cone-rod dystrophy 2. Last evaluated: 2023-10-19. Review status: criteria provided, single submitter. Criteria: ACMG Guidelines, 2015. Collection method: clinical testing. Allele origin: germline. Affected: yes.
Comment: The variant is observed at an extremely low frequency in the gnomAD v2.1.1 dataset (total allele frequency: 0.003%). Predicted Consequence/Location: The majority of the known disease-causing variants of this gene are variants expected to result in premature termination of the protein. Premature termination of the protein is a common disease-causing mechanism for this gene. In silico tool predictions suggest damaging effect of the variant on gene or gene product [REVEL: 0.93 (>=0.6, sensitivity 0.68 and specificity 0.92)]. Same nucleotide change resulting in same amino acid change has been previously reported as pathogenic/likely pathogenic with strong evidence (ClinVar ID: VCV000007421 /PMID: 9427255). The variant has been reported to co-segregate with the disease in at least 7 similarly affected relatives/individuals in at least two unrelated families (PMID: 9427255). Different missense changes at the same codon (p.Arg41Pro, p.Arg41Trp) have been reported as pathogenic/likely pathogenic with strong evidence (ClinVar ID: VCV000007418 /PMID: 36259723, 9427255 /3billion dataset). Therefore, this variant is classified as Pathogenic according to the recommendation of ACMG/AMP guideline.

Institute of Human Genetics, Univ. Regensburg, Univ. Regensburg
Classification: Pathogenic for Retinal dystrophy. Last evaluated: 2022-01-01. Review status: criteria provided, single submitter. Criteria: ACMG Guidelines, 2015. Collection method: clinical testing. Allele origin: germline. Affected: yes.

Institute of Medical Genetics and Applied Genomics, University Hospital Tübingen
Classification: Likely pathogenic. Last evaluated: 2020-10-23. Review status: criteria provided, single submitter. Criteria: ACMG Guidelines, 2015. Collection method: clinical testing. Allele origin: germline. Inheritance: Autosomal dominant inheritance. Affected: yes.

CeGaT Center for Human Genetics Tuebingen
Classification: Likely pathogenic. Last evaluated: 2017-04-01. Review status: criteria provided, single submitter. Criteria: CeGaT Center For Human Genetics Tuebingen Variant Classification Criteria Version 2. Collection method: clinical testing. Allele origin: germline. Affected: yes. Observed: 1 variant allele.

OMIM
Classification: Pathogenic for CONE-ROD DYSTROPHY 2. Last evaluated: 1998-11-01. Review status: no assertion criteria provided. Collection method: literature only. Allele origin: germline. Not counted in ClinVar's aggregate classification.

Retina International
No classification provided. Review status: no classification provided. Collection method: not provided. Allele origin: not provided. Not counted in ClinVar's aggregate classification.

Literature cited by the submitters: PubMed 11971869 (cited by 3 submitters); PubMed 9427255 (cited by 6 submitters); PubMed 11748859 (cited by 3 submitters); PubMed 24265693 (cited by 4 submitters); PubMed 29068479 (cited by 3 submitters); PubMed 30543658 (cited by 3 submitters); PubMed 31215831 (cited by 4 submitters); PubMed 9792858 (cited by Ambry Genetics and OMIM); PubMed 22736939 (cited by Ambry Genetics and Institute of Human Genetics, Univ. Regensburg, Univ. Regensburg); PubMed 36259723 (cited by 3billion); PubMed 27013732 (cited by Institute of Human Genetics, Univ. Regensburg, Univ. Regensburg); PubMed 29847639 (cited by Institute of Human Genetics, Univ. Regensburg, Univ. Regensburg); PubMed 31964843 (cited by Institute of Human Genetics, Univ. Regensburg, Univ. Regensburg); PubMed 32165824 (cited by Institute of Human Genetics, Univ. Regensburg, Univ. Regensburg).